The following is an entry in ClinVar:

NM_001368894.2(PAX6):c.807G>A (p.Gln269=)

Gene: PAX6 (paired box 6; minus strand). Cytogenetic location: 11p13.
Variant type: single nucleotide variant.
Coding change: c.807G>A on transcript NM_001368894.2 (MANE Select); coding-DNA position 807, G replaced by A.
Protein change: p.Gln269=; no amino-acid change (glutamine 269 retained).
Molecular consequence: synonymous variant.
Genome position (GRCh38, 1-based): chr11:31,794,032, C>T on the plus strand (G>A on the coding strand, the complement: PAX6 is on the minus strand). VCF-style: chr11-31794032-C-T. GRCh37 (hg19) VCF-style: chr11-31815580-C-T.
Other names: c.765G>A, p.Gln255= (NM_000280.6, NM_001127612.3, NM_001258464.2 and 10 more transcripts); c.807G>A, p.Gln269= (NM_001258462.3, NM_001258463.2, NM_001310158.2 and 6 more transcripts); c.357G>A, p.Gln119= (NM_001310160.2, NM_001310161.3, NM_001368899.2 and 11 more transcripts); c.1008G>A, p.Gln336= (NM_001368910.2); c.810G>A, p.Gln270= (NM_001368911.2); c.882G>A, p.Gln294= (NM_001368918.2, NM_001368919.2); c.840G>A, p.Gln280= (NM_001368920.2); c.606G>A, p.Gln202= (NM_001368921.2, NM_001368922.2, NM_001368923.2 and 4 more transcripts); and 2 more.
Identifiers: ClinVar variation 2116185 (VCV002116185.4), dbSNP rs1592420967, ClinGen allele CA473559179.

ClinVar aggregate classification (germline): Likely pathogenic (1 of 4 stars; one submission).

Conditions:
Aniridia 1 (AN1). Identifiers: Orphanet 250923, MedGen C0344542, MONDO:0024507, OMIM 106210.
Irido-corneo-trabecular dysgenesis (ASGD5). Also called: ANTERIOR SEGMENT DYSGENESIS 5. Identifiers: Orphanet 708, MedGen C0344559, MONDO:0011414, OMIM 604229, HP:0000659.

Submission:

Labcorp Genetics (formerly Invitae), Labcorp
Classification: Likely pathogenic for Aniridia 1; Irido-corneo-trabecular dysgenesis. Last evaluated: 2022-03-23. Review status: criteria provided, single submitter. Criteria: Invitae Variant Classification Sherloc (09022015). Collection method: clinical testing. Allele origin: germline.
Comment: Variants that disrupt the consensus splice site are a relatively common cause of aberrant splicing (PMID: 17576681, 9536098). Algorithms developed to predict the effect of sequence changes on RNA splicing suggest that this variant may disrupt the consensus splice site. This variant has been observed in individual(s) with Aniridia (Invitae). This variant disrupts the c.765G nucleotide in the PAX6 gene. Other variant(s) that disrupt this nucleotide have been determined to be pathogenic (PMID: 33169869). This suggests that this nucleotide is clinically significant, and that variants that disrupt this position are likely to be disease-causing. This sequence change affects codon 255 of the PAX6 mRNA. It is a 'silent' change, meaning that it does not change the encoded amino acid sequence of the PAX6 protein. This variant also falls at the last nucleotide of exon 9, which is part of the consensus splice site for this exon. In summary, the currently available evidence indicates that the variant is pathogenic, but additional data are needed to prove that conclusively. Therefore, this variant has been classified as Likely Pathogenic. This variant is not present in population databases (gnomAD no frequency).

Literature cited by the submitters: PubMed 17576681; PubMed 9536098; PubMed 33169869.